The following is an entry in ClinVar:

NM_006204.4(PDE6C):c.85C>T (p.Arg29Trp)

Gene: PDE6C (phosphodiesterase 6C; plus strand). Cytogenetic location: 10q23.33.
Variant type: single nucleotide variant.
Coding change: c.85C>T on transcript NM_006204.4 (MANE Select); coding-DNA position 85, C replaced by T.
Protein change: p.Arg29Trp; replaces arginine 29 with tryptophan.
Molecular consequence: missense variant.
Genome position (GRCh38, 1-based): chr10:93,612,810, C>T. VCF-style: chr10-93612810-C-T. GRCh37 (hg19) VCF-style: chr10-95372567-C-T.
Other names: short protein forms R29W.
Identifiers: ClinVar variation 8763 (VCV000008763.17), dbSNP rs121918537, ClinGen allele CA340825.

ClinVar aggregate classification (germline): Pathogenic/Likely pathogenic. Review status: criteria provided, multiple submitters, no conflicts (2 of 4 stars). 7 submissions from 6 submitters: Pathogenic (4); Likely pathogenic (1). 2 of the submissions do not count toward it. Last evaluated 2025-11-11.

Conditions:
Achromatopsia 5 (ACHM5). Identifiers: MedGen C2751309, MONDO:0800196.
Cone dystrophy 4 (COD4). Identifiers: Orphanet 49382, MedGen C2751308, MONDO:0013129, OMIM 613093.

Allele frequency attached by ClinVar (database versions not stated): gnomAD exomes 0.00002; TOPMed 0.00002; gnomAD 0.00006.

Submissions (7):

Institute of Medical Genetics and Applied Genomics, University Hospital Tübingen
Classification: Pathogenic for Cone dystrophy 4. Last evaluated: 2025-11-11. Review status: criteria provided, single submitter. Criteria: ACMG Guidelines, 2015. Collection method: clinical testing. Allele origin: germline. Inheritance: Autosomal recessive inheritance. Affected: yes.

Genomic Medicine Center of Excellence, King Faisal Specialist Hospital and Research Centre
Classification: Pathogenic for Cone dystrophy 4. Last evaluated: 2024-12-19. Review status: criteria provided, single submitter. Criteria: ACMG Guidelines, 2015. Collection method: clinical testing. Allele origin: germline.

3billion
Classification: Pathogenic for Cone dystrophy 4. Last evaluated: 2024-06-27. Review status: criteria provided, single submitter. Criteria: ACMG Guidelines, 2015. Collection method: clinical testing. Allele origin: germline. Affected: yes.
Comment: The variant is observed at an extremely low frequency in the gnomAD v4.0.0 dataset (total allele frequency: 0.002%). Predicted Consequence/Location: Missense variant Functional studies provide strong evidence of the variant having a damaging effect on the gene or gene product (PMID: 21127010). The same nucleotide change resulting in the same amino acid change has been previously reported as pathogenic/likely pathogenic with strong evidence (ClinVar ID: VCV000008763 /PMID: 19615668 /3billion dataset). The variant has been reported to be in trans with a pathogenic variant as either compound heterozygous or homozygous in at least one similarly affected unrelated individual (PMID: 21127010). Therefore, this variant is classified as Pathogenic according to the recommendation of ACMG/AMP guideline.

Labcorp Genetics (formerly Invitae), Labcorp
Classification: Pathogenic. Last evaluated: 2023-11-28. Review status: criteria provided, single submitter. Criteria: Invitae Variant Classification Sherloc (09022015). Collection method: clinical testing. Allele origin: germline.
Comment: This sequence change replaces arginine, which is basic and polar, with tryptophan, which is neutral and slightly polar, at codon 29 of the PDE6C protein (p.Arg29Trp). This variant is present in population databases (rs121918537, gnomAD 0.008%). This missense change has been observed in individual(s) with PDE6C-related conditions (PMID: 19615668, 21127010, 30080950). In at least one individual the data is consistent with being in trans (on the opposite chromosome) from a pathogenic variant. ClinVar contains an entry for this variant (Variation ID: 8763). An algorithm developed to predict the effect of missense changes on protein structure and function (PolyPhen-2) suggests that this variant is likely to be disruptive. Experimental studies have shown that this missense change affects PDE6C function (PMID: 21127010). For these reasons, this variant has been classified as Pathogenic.

Fulgent Genetics
Classification: Likely pathogenic for Cone dystrophy 4. Last evaluated: 2022-02-24. Review status: criteria provided, single submitter. Criteria: ACMG Guidelines, 2015. Collection method: clinical testing. Allele origin: unknown.

OMIM
Classification: Pathogenic for CONE DYSTROPHY 4. Last evaluated: 2009-08-01. Review status: no assertion criteria provided. Collection method: literature only. Allele origin: germline. Not counted in ClinVar's aggregate classification.

OMIM
Classification: Pathogenic for ACHROMATOPSIA 5. Last evaluated: 2009-08-01. Review status: no assertion criteria provided. Collection method: literature only. Allele origin: germline. Not counted in ClinVar's aggregate classification.

Literature cited by the submitters: PubMed 21127010 (cited by 3billion and Labcorp Genetics (formerly Invitae), Labcorp); PubMed 19615668 (cited by 3 submitters); PubMed 30080950 (cited by Labcorp Genetics (formerly Invitae), Labcorp and OMIM).